The following is an entry in ClinVar:

ClinVar aggregate classification (germline): Uncertain significance. Review status: criteria provided, multiple submitters, no conflicts (2 of 4 stars). 4 submissions from 3 submitters: Uncertain significance (4). Last evaluated 2022-03-15.

Conditions:
Inborn genetic diseases. Identifiers: MedGen C0950123, MeSH D030342.
Autosomal dominant nocturnal frontal lobe epilepsy 5. Also called: Epilepsy, nocturnal frontal lobe, 5; CILIARY DYSKINESIA, PRIMARY, 28, WITHOUT SITUS INVERSUS; CILIARY DYSKINESIA, PRIMARY, 28, WITH SITUS INVERSUS; KCNT1-Related Epilepsy. Identifiers: Orphanet 98784, MedGen C3554306, MONDO:0014002, OMIM 615005.
Developmental and epileptic encephalopathy, 14 (DEE14). Also called: Early infantile epileptic encephalopathy 14. Identifiers: Orphanet 293181, MedGen C3554195, MONDO:0013989, OMIM 614959.

Allele frequency attached by ClinVar (database versions not stated): gnomAD exomes below 0.00001; gnomAD 0.00001; TOPMed 0.00001.
gnomAD v4.1: 2 of 1,613,682 alleles (0.00012%); highest among the groups gnomAD compares: Non-Finnish European, 0.00017%; no homozygotes.

Submissions (4):

Genome-Nilou Lab
Classification: Uncertain significance for Developmental and epileptic encephalopathy, 14. Last evaluated: 2022-03-15. Review status: criteria provided, single submitter. Criteria: ACMG Guidelines, 2015. Collection method: clinical testing. Allele origin: germline. Affected: no.

Genome-Nilou Lab
Classification: Uncertain significance for Autosomal dominant nocturnal frontal lobe epilepsy 5. Last evaluated: 2022-03-15. Review status: criteria provided, single submitter. Criteria: ACMG Guidelines, 2015. Collection method: clinical testing. Allele origin: germline. Affected: no.

Labcorp Genetics (formerly Invitae), Labcorp
Classification: Uncertain significance for Autosomal dominant nocturnal frontal lobe epilepsy 5; Developmental and epileptic encephalopathy, 14. Last evaluated: 2022-03-09. Review status: criteria provided, single submitter. Criteria: Invitae Variant Classification Sherloc (09022015). Collection method: clinical testing. Allele origin: germline.
Comment: In summary, the available evidence is currently insufficient to determine the role of this variant in disease. Therefore, it has been classified as a Variant of Uncertain Significance. Algorithms developed to predict the effect of missense changes on protein structure and function are either unavailable or do not agree on the potential impact of this missense change (SIFT: "Tolerated"; PolyPhen-2: "Possibly Damaging"; Align-GVGD: "Class C0"). ClinVar contains an entry for this variant (Variation ID: 589977). This variant has not been reported in the literature in individuals affected with KCNT1-related conditions. This variant is not present in population databases (gnomAD no frequency). This sequence change replaces valine, which is neutral and non-polar, with isoleucine, which is neutral and non-polar, at codon 1196 of the KCNT1 protein (p.Val1196Ile).

Ambry Genetics
Classification: Uncertain significance for Inborn genetic diseases. Last evaluated: 2016-12-22. Review status: criteria provided, single submitter. Criteria: Ambry Variant Classification Scheme 2023. Collection method: clinical testing. Allele origin: germline.
Comment: The p.V1196I variant (also known as c.3586G>A), located in coding exon 30 of the KCNT1 gene, results from a G to A substitution at nucleotide position 3586. The valine at codon 1196 is replaced by isoleucine, an amino acid with highly similar properties. This amino acid position is highly conserved in available vertebrate species. In addition, this alteration is predicted to be tolerated by in silico analysis. Since supporting evidence is limited at this time, the clinical significance of this variant remains unclear.

NM_020822.3(KCNT1):c.3586G>A (p.Val1196Ile)

Gene: KCNT1 (potassium sodium-activated channel subfamily T member 1; plus strand). Cytogenetic location: 9q34.3.
Variant type: single nucleotide variant.
Coding change: c.3586G>A on transcript NM_020822.3 (MANE Select); coding-DNA position 3586, G replaced by A.
Protein change: p.Val1196Ile; replaces valine 1196 with isoleucine.
Molecular consequence: missense variant.
Genome position (GRCh38, 1-based): chr9:135,791,880, G>A. VCF-style: chr9-135791880-G-A. GRCh37 (hg19) VCF-style: chr9-138683726-G-A.
Other names: c.3514G>A, p.Val1172Ile (NM_001272003.2); short protein forms V1196I, V1172I.
Identifiers: ClinVar variation 589977 (VCV000589977.15), dbSNP rs1171803758, ClinGen allele CA375494093.